The following is an entry in ClinVar:

ClinVar aggregate classification (germline): Pathogenic/Likely pathogenic. Review status: criteria provided, multiple submitters, no conflicts (2 of 4 stars). 4 submissions from 4 submitters: Pathogenic (1); Likely pathogenic (3). Last evaluated 2025-07-28.

Conditions:
Pendred syndrome (PDS). Also called: DEAFNESS WITH GOITER; GOITER-DEAFNESS SYNDROME; HYPOTHYROIDISM, CONGENITAL, DUE TO DYSHORMONOGENESIS, 2B; Pendred's syndrome; Pendred Syndrome (PDS); THYROID DYSHORMONOGENESIS 2B. Identifiers: Orphanet 705, MedGen C0271829, MONDO:0010134, OMIM 274600.
Autosomal recessive nonsyndromic hearing loss 4 (DFNB4). Also called: NEUROSENSORY NONSYNDROMIC RECESSIVE DEAFNESS 4; DEAFNESS, AUTOSOMAL RECESSIVE 4, WITH ENLARGED VESTIBULAR AQUEDUCT, DIGENIC; Nonsyndromic enlarged vestibular aqueduct (NSEVA); Deafness, autosomal recessive 4, with enlarged vestibular aqueduct; Deafness, autosomal recessive 4; Enlarged vestibular aqueduct, digenic. Identifiers: Orphanet 90636, MedGen C3538946, MONDO:0010933, OMIM 600791.

Allele frequency attached by ClinVar (database versions not stated): gnomAD exomes below 0.00001; ExAC 0.00001.
gnomAD v4.1: 3 of 1,558,650 alleles (0.00019%); highest among the groups gnomAD compares: South Asian, 0.0033%; no homozygotes.

Submissions (4):

Natera, Inc.
Classification: Likely pathogenic for Pendred syndrome. Last evaluated: 2025-07-28. Review status: criteria provided, single submitter. Criteria: Natera Variant Classification Schema (03/2026). Collection method: clinical testing. Allele origin: germline.
Comment: The c.1803+2T>C variant in SLC26A4 is a canonical splice donor site variant predicted to affect pre-mRNA splicing, which may result in an abnormal transcript and altered protein product. This variant is expected to result in nonsense mediated decay, truncation, or a dysfunctional protein product. This variant is rare in the general population with a frequency below the threshold expected for the associated phenotype(s). This variant has been observed in one or more individuals affected with the associated recessive disease, as either homozygous or compound heterozygous with a second variant (PMID: 31633822). Given the available evidence, this variant is classified as Likely Pathogenic.

Women's Health and Genetics/Laboratory Corporation of America, LabCorp
Classification: Likely pathogenic for Pendred syndrome. Last evaluated: 2024-10-02. Review status: criteria provided, single submitter. Criteria: LabCorp Variant Classification Summary - May 2015. Collection method: clinical testing. Allele origin: germline.
Comment: Variant summary: SLC26A4 c.1803+2T>C is located in a canonical splice-site and is predicted to affect mRNA splicing resulting in a significantly altered protein due to either exon skipping, shortening, or inclusion of intronic material. Variants that disrupt the consensus splice site are a relatively common cause of aberrant splicing and loss of SLC26A4 function. Several computational tools predict a significant impact on normal splicing: One predicts the variant weakens a canonical 5' donor site. Three predict the variant abolishes this site. However, these predictions have yet to be confirmed by functional studies. The variant allele was found at a frequency of 4e-06 in 251002 control chromosomes (gnomAD). c.1803+2T>C has been reported in the literature in an individual affected with Pendred Syndrome (Rendtorff_2013). To our knowledge, no experimental evidence demonstrating an impact on protein function has been reported. The following publication has been ascertained in the context of this evaluation (PMID: 23336812). ClinVar contains an entry for this variant (Variation ID: 1068420). Based on the evidence outlined above, the variant was classified as likely pathogenic.

Baylor Genetics
Classification: Pathogenic for Autosomal recessive nonsyndromic hearing loss 4. Last evaluated: 2023-11-20. Review status: criteria provided, single submitter. Criteria: ACMG Guidelines, 2015. Collection method: clinical testing. Allele origin: unknown.

Labcorp Genetics (formerly Invitae), Labcorp
Classification: Likely pathogenic. Last evaluated: 2022-05-09. Review status: criteria provided, single submitter. Criteria: Invitae Variant Classification Sherloc (09022015). Collection method: clinical testing. Allele origin: germline.
Comment: This sequence change affects a donor splice site in intron 16 of the SLC26A4 gene. It is expected to disrupt RNA splicing. Variants that disrupt the donor or acceptor splice site typically lead to a loss of protein function (PMID: 16199547), and loss-of-function variants in SLC26A4 are known to be pathogenic (PMID: 16283880, 25394566, 26252218, 26445815). This variant is present in population databases (rs768454870, gnomAD 0.003%). Disruption of this splice site has been observed in individual(s) with Pendred syndrome (PMID: 23336812). ClinVar contains an entry for this variant (Variation ID: 1068420). Algorithms developed to predict the effect of sequence changes on RNA splicing suggest that this variant may disrupt the consensus splice site. In summary, the currently available evidence indicates that the variant is pathogenic, but additional data are needed to prove that conclusively. Therefore, this variant has been classified as Likely Pathogenic.

Literature cited by the submitters: PubMed 31633822 (cited by Natera, Inc.); PubMed 23336812 (cited by Women's Health and Genetics/Laboratory Corporation of America, LabCorp and Labcorp Genetics (formerly Invitae), Labcorp); PubMed 16199547 (cited by Labcorp Genetics (formerly Invitae), Labcorp); PubMed 16283880 (cited by Labcorp Genetics (formerly Invitae), Labcorp); PubMed 25394566 (cited by Labcorp Genetics (formerly Invitae), Labcorp); PubMed 26252218 (cited by Labcorp Genetics (formerly Invitae), Labcorp); PubMed 26445815 (cited by Labcorp Genetics (formerly Invitae), Labcorp).

NM_000441.2(SLC26A4):c.1803+2T>C

Gene: SLC26A4 (solute carrier family 26 member 4; plus strand). Cytogenetic location: 7q22.3.
Variant type: single nucleotide variant.
Coding change: c.1803+2T>C on transcript NM_000441.2 (MANE Select); the canonical splice donor site of the intron after coding-DNA position 1803, T replaced by C.
Molecular consequence: splice donor variant.
Genome position (GRCh38, 1-based): chr7:107,701,198, T>C. VCF-style: chr7-107701198-T-C. GRCh37 (hg19) VCF-style: chr7-107341643-T-C.
Other names: c.1803+2T>C (NM_000441.1).
Identifiers: ClinVar variation 1068420 (VCV001068420.13), dbSNP rs768454870, ClinGen allele CA4432946.